The following is an entry in ClinVar:

ClinVar aggregate classification (germline): Uncertain significance (1 of 4 stars; one submission).

Conditions:
Inborn genetic diseases. Identifiers: MedGen C0950123, MeSH D030342.

gnomAD v4.1: 5 of 1,603,402 alleles (0.00031%); highest among the groups gnomAD compares: Non-Finnish European, 0.00043%; no homozygotes.

Submission:

Ambry Genetics
Classification: Uncertain significance for Inborn genetic diseases. Last evaluated: 2025-02-09. Review status: criteria provided, single submitter. Criteria: Ambry Variant Classification Scheme 2023. Collection method: clinical testing. Allele origin: germline.
Comment: The p.S1215F variant (also known as c.3644C>T), located in coding exon 33 of the RTEL1 gene, results from a C to T substitution at nucleotide position 3644. The serine at codon 1215 is replaced by phenylalanine, an amino acid with highly dissimilar properties. This amino acid position is conserved. In addition, this alteration is predicted to be tolerated by in silico analysis. Based on the available evidence, the clinical significance of this variant remains unclear.

NM_001283009.2(RTEL1):c.3644C>T (p.Ser1215Phe)

Genes: RTEL1 (regulator of telomere elongation helicase 1; plus strand), RTEL1-TNFRSF6B (RTEL1-TNFRSF6B readthrough (NMD candidate); plus strand). Cytogenetic location: 20q13.33.
Variant type: single nucleotide variant.
Coding change: c.3644C>T on transcript NM_001283009.2 (MANE Select); coding-DNA position 3644, C replaced by T.
Protein change: p.Ser1215Phe; replaces serine 1215 with phenylalanine.
Molecular consequence: missense variant. On other transcripts: non-coding transcript variant (1).
Genome position (GRCh38, 1-based): chr20:63,695,472, C>T. VCF-style: chr20-63695472-C-T. GRCh37 (hg19) VCF-style: chr20-62326825-C-T.
Other names: c.2975C>T, p.Ser992Phe (NM_001283010.1); c.3644C>T, p.Ser1215Phe (NM_016434.4); c.3716C>T, p.Ser1239Phe (NM_032957.5); short protein forms S1215F, S992F, S1239F.
Identifiers: ClinVar variation 3791135 (VCV003791135.1).
Genomic context (GRCh38, chr20:63,695,472, plus strand): 5'-CGGGCGGTGAGGATGCAGGTCCCAGCCAGTCCTCAGGACCTCCCCACGGGCCTGCAGCAT[C>T]TGAGTGGGGTGAGCCTCATGGGAGAGACATCGCTGGGCAGCAGGCCACGGGAGCTCCGGG-3'
Protein context (NP_001269938.1, residues 1205-1225): SSGPPHGPAA[Ser1215Phe]EWGEPHGRDI